The following is an entry in ClinVar:

NM_001258392.3(CLPB):c.1859G>T (p.Arg620Leu)

Gene: CLPB (ClpB family mitochondrial disaggregase; minus strand). Cytogenetic location: 11q13.4.
Variant type: single nucleotide variant.
Coding change: c.1859G>T on transcript NM_001258392.3 (MANE Select); coding-DNA position 1859, G replaced by T.
Protein change: p.Arg620Leu; replaces arginine 620 with leucine.
Molecular consequence: missense variant.
Genome position (GRCh38, 1-based): chr11:72,293,542, C>A on the plus strand (G>T on the coding strand, the complement: CLPB is on the minus strand). VCF-style: chr11-72293542-C-A. GRCh37 (hg19) VCF-style: chr11-72004586-C-A.
Other names: c.1772G>T, p.Arg591Leu (NM_001258393.3); c.1814G>T, p.Arg605Leu (NM_001258394.3); c.1949G>T, p.Arg650Leu (NM_030813.6); c.1949G>T (NM_030813.3); short protein forms R650L, R620L, R591L, R605L.
Identifiers: ClinVar variation 476194 (VCV000476194.14), dbSNP rs137882645, ClinGen allele CA6171006.

ClinVar aggregate classification (germline): Uncertain significance. Review status: criteria provided, multiple submitters, no conflicts (2 of 4 stars). 3 submissions from 3 submitters: Uncertain significance (3). Last evaluated 2026-10-23.

Conditions:
3-methylglutaconic aciduria, type VIIB (MGCA7B). Also called: CLPB Deficiency; 3-methylglutaconic aciduria, type VII, with cataracts, neurologic involvement and neutropenia; 3-methylglutaconic aciduria with cataracts, neurologic involvement and neutropenia. Identifiers: Orphanet 445038, MedGen C5676893, MONDO:0014561, OMIM 616271.
Inborn genetic diseases. Identifiers: MedGen C0950123, MeSH D030342.

Allele frequency attached by ClinVar (database versions not stated): 1000 Genomes Project 30x 0.00016; 1000 Genomes Project 0.00020.
gnomAD v4.1: 26 of 1,614,106 alleles (0.0016%); highest among the groups gnomAD compares: Admixed American, 0.03%; 1 homozygote.

Submissions (3):

GeneDx
Classification: Uncertain significance. Last evaluated: 2026-10-23. Review status: criteria provided, single submitter. Criteria: GeneDx Variant Classification Process June 2021. Collection method: clinical testing. Allele origin: germline.
Comment: In silico analysis suggests that this missense variant does not alter protein structure/function; Has not been previously published as pathogenic or benign to our knowledge

Labcorp Genetics (formerly Invitae), Labcorp
Classification: Uncertain significance for 3-methylglutaconic aciduria, type VIIB. Last evaluated: 2025-10-10. Review status: criteria provided, single submitter. Criteria: Invitae Variant Classification Sherloc (09022015). Collection method: clinical testing. Allele origin: germline.
Comment: This sequence change replaces arginine, which is basic and polar, with leucine, which is neutral and non-polar, at codon 650 of the CLPB protein (p.Arg650Leu). This variant is present in population databases (rs137882645, gnomAD 0.003%). This variant has not been reported in the literature in individuals affected with CLPB-related conditions. ClinVar contains an entry for this variant (Variation ID: 476194). An algorithm developed to predict the effect of missense changes on protein structure and function (PolyPhen-2) suggests that this variant is likely to be tolerated. In summary, the available evidence is currently insufficient to determine the role of this variant in disease. Therefore, it has been classified as a Variant of Uncertain Significance.

Ambry Genetics
Classification: Uncertain significance for Inborn genetic diseases. Last evaluated: 2024-01-08. Review status: criteria provided, single submitter. Criteria: Ambry Variant Classification Scheme 2023. Collection method: clinical testing. Allele origin: germline.